The following is an entry in ClinVar:

ClinVar aggregate classification (germline): Likely benign. Review status: criteria provided, multiple submitters, no conflicts (2 of 4 stars). 2 submissions from 2 submitters: Likely benign (2). Last evaluated 2025-10-01.

Submissions (2):

CeGaT Center for Human Genetics Tuebingen
Classification: Likely benign. Last evaluated: 2025-10-01. Review status: criteria provided, single submitter. Criteria: CeGaT Center For Human Genetics Tuebingen Variant Classification Criteria Version 2. Collection method: clinical testing. Allele origin: germline. Affected: yes. Observed: 1 variant allele.
Comment: CACNB2: BS2

Blueprint Genetics
Classification: Likely benign. Last evaluated: 2024-11-25. Review status: criteria provided, single submitter. Criteria: ACMG Guidelines, 2015. Collection method: clinical testing. Allele origin: germline.

NM_201596.3(CACNB2):c.121-3_121-2insTTTTTTTTGT

Gene: CACNB2 (calcium voltage-gated channel auxiliary subunit beta 2; plus strand). Cytogenetic location: 10p12.33.
Variant type: Microsatellite.
Coding change: c.121-3_121-2insTTTTTTTTGT on transcript NM_201596.3 (MANE Select); 3 bases into the intron before coding-DNA position 121 through the canonical splice acceptor site of the intron before coding-DNA position 121, TTTTTTTTGT inserted.
Molecular consequence: intron variant.
Genome position: GRCh38 VCF-style: chr10-18150879-T-TTTTTTTTTTG. GRCh37 (hg19) VCF-style: chr10-18439808-T-TTTTTTTTTTG.
Other names: c.37-3_37-2insTTTTTTTTGT (NM_201571.4, NM_001167945.2, NM_201572.4); c.121-3_121-2insTTTTTTTTGT (NM_201593.3, NM_201597.3).
Identifiers: ClinVar variation 4534116 (VCV004534116.7).